The following is an entry in ClinVar:

NM_001164665.2(KIAA1549):c.2877T>G (p.Thr959=)

Gene: KIAA1549 (KIAA1549; minus strand). Cytogenetic location: 7q34.
Variant type: single nucleotide variant.
Coding change: c.2877T>G on transcript NM_001164665.2 (MANE Select); coding-DNA position 2877, T replaced by G.
Protein change: p.Thr959=; no amino-acid change (threonine 959 retained).
Molecular consequence: synonymous variant.
Genome position (GRCh38, 1-based): chr7:138,916,749, A>C on the plus strand (T>G on the coding strand, the complement: KIAA1549 is on the minus strand). VCF-style: chr7-138916749-A-C. GRCh37 (hg19) VCF-style: chr7-138601495-A-C.
Other names: c.2877T>G, p.Thr959= (NM_020910.3).
Identifiers: ClinVar variation 1345205 (VCV001345205.6), dbSNP rs2130476284, ClinGen allele CA458150610.

ClinVar aggregate classification (germline): Uncertain significance (1 of 4 stars; one submission).

Submission:

Labcorp Genetics (formerly Invitae), Labcorp
Classification: Uncertain significance. Last evaluated: 2021-10-17. Review status: criteria provided, single submitter. Criteria: Invitae Variant Classification Sherloc (09022015). Collection method: clinical testing. Allele origin: germline.
Comment: Algorithms developed to predict the effect of sequence changes on RNA splicing suggest that this variant is not likely to affect RNA splicing. In summary, the available evidence is currently insufficient to determine the role of this variant in disease. Therefore, it has been classified as a Variant of Uncertain Significance. This variant has not been reported in the literature in individuals affected with KIAA1549-related conditions. This sequence change affects codon 959 of the KIAA1549 mRNA. It is a 'silent' change, meaning that it does not change the encoded amino acid sequence of the KIAA1549 protein. It affects a nucleotide within the consensus splice site. This variant is not present in population databases (ExAC no frequency).